The following is an entry in ClinVar:

NM_003041.4(SLC5A2):c.*48G>A

Genes: RUSF1 (RUS family member 1; minus strand), SLC5A2 (solute carrier family 5 member 2; plus strand). Cytogenetic location: 16p11.2.
Variant type: single nucleotide variant.
Coding change: c.*48G>A on transcript NM_003041.4 (MANE Select); 48 bases downstream of the stop codon, G replaced by A.
Molecular consequence: 3 prime UTR variant. On other transcripts: non-coding transcript variant (1).
Genome position (GRCh38, 1-based): chr16:31,490,583, G>A. VCF-style: chr16-31490583-G-A. GRCh37 (hg19) VCF-style: chr16-31501904-G-A.
Other names: c.*252C>T (NM_022744.4).
Identifiers: ClinVar variation 885763 (VCV000885763.4), dbSNP rs184367787, ClinGen allele CA8031417.

ClinVar aggregate classification (germline): Likely benign (1 of 4 stars; one submission).

Conditions:
Familial renal glucosuria (GLYS). Also called: RENAL GLUCOSURIA, AUTOSOMAL DOMINANT; Familial renal glycosuria. Identifiers: Orphanet 69076, MedGen C3245525, MONDO:0009297, OMIM 233100.

Allele frequency attached by ClinVar (database versions not stated): gnomAD exomes 0.00028; ExAC 0.00040; 1000 Genomes Project 0.00060; 1000 Genomes Project 30x 0.00062; gnomAD 0.00155 and 0.00174; TOPMed 0.00177; ESP Exome Variant Server 0.00200.
gnomAD v4.1: 431 of 1,483,728 alleles (0.029%); highest among the groups gnomAD compares: African/African-American, 0.54%; 2 homozygotes.

Submission:

Illumina Laboratory Services, Illumina
Classification: Likely benign for Familial renal glucosuria. Last evaluated: 2018-01-13. Review status: criteria provided, single submitter. Criteria: ICSL Variant Classification Criteria 13 December 2019. Collection method: clinical testing. Allele origin: germline.
Comment: This variant was observed in the ICSL laboratory as part of a predisposition screen in an ostensibly healthy population. It had not been previously curated by ICSL or reported in the Human Gene Mutation Database (HGMD: prior to June 1st, 2018), and was therefore a candidate for classification through an automated scoring system. Utilizing variant allele frequency, disease prevalence and penetrance estimates, and inheritance mode, an automated score was calculated to assess if this variant is too frequent to cause the disease. Based on the score and internal cut-off values, a variant classified as likely benign is not then subjected to further curation. The score for this variant resulted in a classification of likely benign for this disease.